The following is an entry in ClinVar:

ClinVar aggregate classification (germline): Benign. Review status: criteria provided, multiple submitters, no conflicts (2 of 4 stars). 2 submissions from 2 submitters: Benign (2). Last evaluated 2018-01-13.

Conditions:
Cutis laxa with osteodystrophy (ARCL2A). Also called: Debré-Type Cutis Laxa; CUTIS LAXA WITH CONGENITAL DISORDER OF GLYCOSYLATION; CUTIS LAXA, AUTOSOMAL RECESSIVE, TYPE IIA; CUTIS LAXA WITH BONE DYSTROPHY; CUTIS LAXA WITH GROWTH AND DEVELOPMENTAL DELAY; CUTIS LAXA WITH JOINT LAXITY AND RETARDED DEVELOPMENT. Identifiers: Orphanet 357058, MedGen C0268355, MONDO:0018163, OMIM 219200. Disease mechanism: loss of function.

Allele frequency attached by ClinVar (database versions not stated): 1000 Genomes Project 0.05651; 1000 Genomes Project 30x 0.05981; gnomAD 0.05364 and 0.05031; TOPMed 0.05655.

Submissions (2):

Illumina Laboratory Services, Illumina
Classification: Benign for Cutis laxa with osteodystrophy. Last evaluated: 2018-01-13. Review status: criteria provided, single submitter. Criteria: ICSL Variant Classification Criteria 13 December 2019. Collection method: clinical testing. Allele origin: germline.
Comment: This variant was observed in the ICSL laboratory as part of a predisposition screen in an ostensibly healthy population. It had not been previously curated by ICSL or reported in the Human Gene Mutation Database (HGMD: prior to June 1st, 2018), and was therefore a candidate for classification through an automated scoring system. Utilizing variant allele frequency, disease prevalence and penetrance estimates, and inheritance mode, an automated score was calculated to assess if this variant is too frequent to cause the disease. Based on the score and internal cut-off values, a variant classified as benign is not then subjected to further curation. The score for this variant resulted in a classification of benign for this disease.

Breakthrough Genomics
Classification: Benign. Review status: criteria provided, single submitter. Criteria: ACMG Guidelines, 2015. Collection method: not provided. Allele origin: germline. Inheritance: Autosomal recessive inheritance. Affected: yes.

NM_012463.4(ATP6V0A2):c.*3603G>A

Gene: ATP6V0A2 (ATPase H+ transporting V0 subunit a2; plus strand). Cytogenetic location: 12q24.31.
Variant type: single nucleotide variant.
Coding change: c.*3603G>A on transcript NM_012463.4 (MANE Select); 3603 bases downstream of the stop codon, G replaced by A.
Molecular consequence: 3 prime UTR variant.
Genome position (GRCh38, 1-based): chr12:123,761,635, G>A. VCF-style: chr12-123761635-G-A. GRCh37 (hg19) VCF-style: chr12-124246182-G-A.
Identifiers: ClinVar variation 307645 (VCV000307645.6), dbSNP rs73420352, ClinGen allele CA10632219.